The following is an entry in ClinVar:

NM_006846.4(SPINK5):c.1892C>T (p.Thr631Ile)

Gene: SPINK5 (serine peptidase inhibitor Kazal type 5; plus strand). Cytogenetic location: 5q32.
Variant type: single nucleotide variant.
Coding change: c.1892C>T on transcript NM_006846.4 (MANE Select); coding-DNA position 1892, C replaced by T.
Protein change: p.Thr631Ile; replaces threonine 631 with isoleucine.
Molecular consequence: missense variant.
Genome position (GRCh38, 1-based): chr5:148,114,366, C>T. VCF-style: chr5-148114366-C-T. GRCh37 (hg19) VCF-style: chr5-147493929-C-T.
Other names: c.1892C>T, p.Thr631Ile (NM_001127698.2, NM_001127699.2); short protein forms T631I.
Identifiers: ClinVar variation 2194719 (VCV002194719.2), dbSNP rs767144734, ClinGen allele CA3495790.

ClinVar aggregate classification (germline): Uncertain significance. Review status: criteria provided, multiple submitters, no conflicts (2 of 4 stars). 2 submissions from 2 submitters: Uncertain significance (2). Last evaluated 2024-09-08.

Conditions:
Inborn genetic diseases. Identifiers: MedGen C0950123, MeSH D030342.
Netherton syndrome (NETH). Also called: ERYTHRODERMA, ICHTHYOSIFORM, WITH HYPOTRICHOSIS AND HYPER-IgE; COMEL-NETHERTON SYNDROME; NETHERTON DISEASE. Identifiers: Orphanet 634, MedGen C5574950, MONDO:0009735, OMIM 256500.

Allele frequency attached by ClinVar (database versions not stated): ExAC 0.00001; gnomAD 0.00001; gnomAD exomes 0.00001.
gnomAD v4.1: 11 of 1,610,108 alleles (0.00068%); highest among the groups gnomAD compares: Admixed American, 0.0017%; no homozygotes.

Submissions (2):

Ambry Genetics
Classification: Uncertain significance for Inborn genetic diseases. Last evaluated: 2024-09-08. Review status: criteria provided, single submitter. Criteria: Ambry Variant Classification Scheme 2023. Collection method: clinical testing. Allele origin: germline.

Labcorp Genetics (formerly Invitae), Labcorp
Classification: Uncertain significance for Ichthyosis linearis circumflexa. Last evaluated: 2022-02-11. Review status: criteria provided, single submitter. Criteria: Invitae Variant Classification Sherloc (09022015). Collection method: clinical testing. Allele origin: germline.
Comment: This sequence change replaces threonine, which is neutral and polar, with isoleucine, which is neutral and non-polar, at codon 631 of the SPINK5 protein (p.Thr631Ile). This variant is present in population databases (rs767144734, gnomAD 0.003%). This variant has not been reported in the literature in individuals affected with SPINK5-related conditions. Algorithms developed to predict the effect of missense changes on protein structure and function are either unavailable or do not agree on the potential impact of this missense change (SIFT: "Deleterious"; PolyPhen-2: "Benign"; Align-GVGD: "Class C0"). In summary, the available evidence is currently insufficient to determine the role of this variant in disease. Therefore, it has been classified as a Variant of Uncertain Significance.